The following is an entry in ClinVar:

ClinVar aggregate classification (germline): Likely benign. Review status: criteria provided, multiple submitters, no conflicts (2 of 4 stars). 2 submissions from 2 submitters: Likely benign (2). Last evaluated 2022-04-18.

Conditions:
Cardiovascular phenotype. Identifiers: MedGen CN230736.

Allele frequency attached by ClinVar (database versions not stated): gnomAD 0.00001; gnomAD exomes 0.00001 and 0.00002; TOPMed 0.00001.
gnomAD v4.1: 21 of 1,478,226 alleles (0.0014%); highest among the groups gnomAD compares: Middle Eastern, 0.024%; no homozygotes.

Submissions (2):

Ambry Genetics
Classification: Likely benign for Cardiovascular phenotype. Last evaluated: 2022-04-18. Review status: criteria provided, single submitter. Criteria: Ambry Variant Classification Scheme 2023. Collection method: clinical testing. Allele origin: germline.

GeneDx
Classification: Likely benign. Last evaluated: 2016-12-08. Review status: criteria provided, single submitter. Criteria: GeneDx Variant Classification (06012015). Collection method: clinical testing. Allele origin: germline. Affected: yes.
Comment: This variant is considered likely benign or benign based on one or more of the following criteria: it is a conservative change, it occurs at a poorly conserved position in the protein, it is predicted to be benign by multiple in silico algorithms, and/or has population frequency not consistent with disease.

NM_020433.5(JPH2):c.1431C>T (p.Thr477=)

Gene: JPH2 (junctophilin 2; minus strand). Cytogenetic location: 20q13.12.
Variant type: single nucleotide variant.
Coding change: c.1431C>T on transcript NM_020433.5 (MANE Select); coding-DNA position 1431, C replaced by T.
Protein change: p.Thr477=; no amino-acid change (threonine 477 retained).
Molecular consequence: synonymous variant.
Genome position (GRCh38, 1-based): chr20:44,116,244, G>A on the plus strand (C>T on the coding strand, the complement: JPH2 is on the minus strand). VCF-style: chr20-44116244-G-A. GRCh37 (hg19) VCF-style: chr20-42744884-G-A.
Identifiers: ClinVar variation 391522 (VCV000391522.3), dbSNP rs1057524121, ClinGen allele CA16609039.